The following is an entry in ClinVar:

ClinVar aggregate classification (germline): Uncertain significance (1 of 4 stars; one submission).

Allele frequency attached by ClinVar (database versions not stated): gnomAD exomes 0.00001.
gnomAD v4.1: 8 of 1,613,380 alleles (0.0005%); highest among the groups gnomAD compares: Non-Finnish European, 0.00068%; no homozygotes.

Submission:

Ambry Genetics
Classification: Uncertain significance. Last evaluated: 2025-05-02. Review status: criteria provided, single submitter. Criteria: Ambry Variant Classification Scheme 2023. Collection method: clinical testing. Allele origin: germline.
Comment: The p.E17K variant (also known as c.49G>A), located in coding exon 2 of the RECQL gene, results from a G to A substitution at nucleotide position 49. The glutamic acid at codon 17 is replaced by lysine, an amino acid with similar properties. This amino acid position is conserved. In addition, the in silico prediction for this alteration is inconclusive. Since supporting evidence is limited at this time, the clinical significance of this alteration remains unclear.

NM_002907.4(RECQL):c.49G>A (p.Glu17Lys)

Gene: RECQL (RecQ like helicase; minus strand). Cytogenetic location: 12p12.1.
Variant type: single nucleotide variant.
Coding change: c.49G>A on transcript NM_002907.4 (MANE Select); coding-DNA position 49, G replaced by A.
Protein change: p.Glu17Lys; replaces glutamic acid 17 with lysine.
Molecular consequence: missense variant.
Genome position (GRCh38, 1-based): chr12:21,491,684, C>T on the plus strand (G>A on the coding strand, the complement: RECQL is on the minus strand). VCF-style: chr12-21491684-C-T. GRCh37 (hg19) VCF-style: chr12-21644618-C-T.
Other names: c.49G>A, p.Glu17Lys (NM_032941.3); short protein forms E17K.
Identifiers: ClinVar variation 2446919 (VCV002446919.3), dbSNP rs2540405815, ClinGen allele CA384134682.